The following is an entry in ClinVar:

ClinVar aggregate classification (germline): Pathogenic. Review status: criteria provided, multiple submitters, no conflicts (2 of 4 stars). 2 submissions from 2 submitters: Pathogenic (2). Last evaluated 2025-05-12.

Conditions:
Deficiency of steroid 17-alpha-monooxygenase. Also called: 17-alpha-hydroxylase/17,20-lyase deficiency; Congenital adrenal hyperplasia due to 17-alpha-hydroxylase deficiency; Congenital adrenal hyperplasia type 5; ADRENAL HYPERPLASIA V; 17-ALPHA-HYDROXYLASE DEFICIENCY. Identifiers: Orphanet 90793, MedGen C0268285, MONDO:0008730, OMIM 202110.

Submissions (2):

Natera, Inc.
Classification: Pathogenic for Deficiency of steroid 17-alpha-monooxygenase. Last evaluated: 2025-05-12. Review status: criteria provided, single submitter. Criteria: Natera Variant Classification Schema (03/2026). Collection method: clinical testing. Allele origin: germline.
Comment: The c.177dupA variant in CYP17A1 is a frameshift variant predicted to shift the reading frame beginning at codon 60 and leads to a stop codon 29 codons downstream. This variant is expected to result in nonsense mediated decay, truncation, or a dysfunctional protein product. This variant is rare in the general population with a frequency below the threshold expected for the associated phenotype(s). This variant has been observed in one or more individuals affected with the associated recessive disease, as either homozygous or compound heterozygous with a second variant (PMID: 34524979, 29595516). Additionally, this variant has been observed to segregate in affected family members (PMID: 34524979, 29595516). Given the available evidence, this variant is classified as Pathogenic.

Labcorp Genetics (formerly Invitae), Labcorp
Classification: Pathogenic. Last evaluated: 2023-04-12. Review status: criteria provided, single submitter. Criteria: Invitae Variant Classification Sherloc (09022015). Collection method: clinical testing. Allele origin: germline.
Comment: ClinVar contains an entry for this variant (Variation ID: 2152094). This premature translational stop signal has been observed in individual(s) with congenital adrenal hyperplasia (PMID: 29595516). It has also been observed to segregate with disease in related individuals. This variant is not present in population databases (gnomAD no frequency). This sequence change creates a premature translational stop signal (p.Tyr60Ilefs*29) in the CYP17A1 gene. It is expected to result in an absent or disrupted protein product. Loss-of-function variants in CYP17A1 are known to be pathogenic (PMID: 10720067, 14747197, 17192295, 20197673, 24140098). For these reasons, this variant has been classified as Pathogenic.

Literature cited by the submitters: PubMed 34524979 (cited by Natera, Inc.); PubMed 29595516 (cited by Natera, Inc. and Labcorp Genetics (formerly Invitae), Labcorp); PubMed 10720067 (cited by Labcorp Genetics (formerly Invitae), Labcorp); PubMed 14747197 (cited by Labcorp Genetics (formerly Invitae), Labcorp); PubMed 17192295 (cited by Labcorp Genetics (formerly Invitae), Labcorp); PubMed 20197673 (cited by Labcorp Genetics (formerly Invitae), Labcorp); PubMed 24140098 (cited by Labcorp Genetics (formerly Invitae), Labcorp).

NM_000102.4(CYP17A1):c.177dup (p.Tyr60fs)

Gene: CYP17A1 (cytochrome P450 family 17 subfamily A member 1; minus strand). Cytogenetic location: 10q24.32.
Variant type: Duplication.
Coding change: c.177dup on transcript NM_000102.4 (MANE Select); coding-DNA position 177, one base duplicated (A; older notation c.177dupA).
Protein change: p.Tyr60fs; shifts the reading frame from tyrosine 60.
Molecular consequence: frameshift variant.
Genome position (GRCh38, 1-based): chr10:102,837,185, T duplicated on the plus strand (A on the coding strand, the reverse complement: CYP17A1 is on the minus strand); the first of 6 consecutive T bases (chr10:102,837,185-102,837,190); duplicating any one gives the same sequence. VCF-style (leftmost placement, unchanged base first): chr10-102837184-A-AT. GRCh37 (hg19) VCF-style: chr10-104596941-A-AT.
Other names: c.177dupA (NM_000102.3); short protein forms Y60fs.
Identifiers: ClinVar variation 2152094 (VCV002152094.7), dbSNP rs1402132413, ClinGen allele CA918748678.